The following is an entry in ClinVar:

NM_002936.6(RNASEH1):c.110C>G (p.Thr37Ser)

Gene: RNASEH1 (ribonuclease H1; minus strand). Cytogenetic location: 2p25.3.
Variant type: single nucleotide variant.
Coding change: c.110C>G on transcript NM_002936.6 (MANE Select); coding-DNA position 110, C replaced by G.
Protein change: p.Thr37Ser; replaces threonine 37 with serine.
Molecular consequence: missense variant. On other transcripts: 5 prime UTR variant (1), non-coding transcript variant (7).
Genome position (GRCh38, 1-based): chr2:3,558,151, G>C on the plus strand (C>G on the coding strand, the complement: RNASEH1 is on the minus strand). VCF-style: chr2-3558151-G-C. GRCh37 (hg19) VCF-style: chr2-3605741-G-C.
Other names: c.32C>G, p.Thr11Ser (NM_001286834.3); c.-480C>G (NM_001286837.3); c.110C>G, p.Thr37Ser (NM_001378271.1, NM_001378272.1, NM_001378273.1); c.110C>G (NM_002936.3); short protein forms T11S, T37S.
Identifiers: ClinVar variation 1491128 (VCV001491128.6), dbSNP rs768697676, ClinGen allele CA1516438.

ClinVar aggregate classification (germline): Uncertain significance. Review status: criteria provided, multiple submitters, no conflicts (2 of 4 stars). 2 submissions from 2 submitters: Uncertain significance (2). Last evaluated 2023-08-08.

Conditions:
Inborn genetic diseases. Identifiers: MedGen C0950123, MeSH D030342.

Allele frequency attached by ClinVar (database versions not stated): ExAC 0.00002; gnomAD exomes 0.00002 and 0.00004; gnomAD 0.00003 and 0.00004; TOPMed 0.00003.
gnomAD v4.1: 64 of 1,601,340 alleles (0.004%); highest among the groups gnomAD compares: Middle Eastern, 0.017%; no homozygotes.

Submissions (2):

Ambry Genetics
Classification: Uncertain significance for Inborn genetic diseases. Last evaluated: 2023-08-08. Review status: criteria provided, single submitter. Criteria: Ambry Variant Classification Scheme 2023. Collection method: clinical testing. Allele origin: germline.

Labcorp Genetics (formerly Invitae), Labcorp
Classification: Uncertain significance. Last evaluated: 2023-07-30. Review status: criteria provided, single submitter. Criteria: Invitae Variant Classification Sherloc (09022015). Collection method: clinical testing. Allele origin: germline.
Comment: In summary, the available evidence is currently insufficient to determine the role of this variant in disease. Therefore, it has been classified as a Variant of Uncertain Significance. Advanced modeling of protein sequence and biophysical properties (such as structural, functional, and spatial information, amino acid conservation, physicochemical variation, residue mobility, and thermodynamic stability) performed at Invitae indicates that this missense variant is not expected to disrupt RNASEH1 protein function. ClinVar contains an entry for this variant (Variation ID: 1491128). This variant has not been reported in the literature in individuals affected with RNASEH1-related conditions. This variant is present in population databases (rs768697676, gnomAD 0.005%). This sequence change replaces threonine, which is neutral and polar, with serine, which is neutral and polar, at codon 37 of the RNASEH1 protein (p.Thr37Ser).